The following is an entry in ClinVar:

ClinVar aggregate classification (germline): Likely pathogenic (1 of 4 stars; one submission).

Submission:

Labcorp Genetics (formerly Invitae), Labcorp
Classification: Likely pathogenic. Last evaluated: 2025-06-09. Review status: criteria provided, single submitter. Criteria: Invitae Variant Classification Sherloc (09022015). Collection method: clinical testing. Allele origin: germline.
Comment: This sequence change falls in intron 15 of the PHEX gene. It does not directly change the encoded amino acid sequence of the PHEX protein. RNA analysis indicates that this variant induces altered splicing and likely disrupts the C-terminus of the protein. This variant is not present in population databases (gnomAD no frequency). This variant has been observed in individuals with hypophosphatemic rickets (PMID: 18625346; internal data). Variants that disrupt the consensus splice site are a relatively common cause of aberrant splicing (PMID: 17576681, 9536098). Studies have shown that this variant results in activation of cryptic splice donor site and introduces a new termination codon (PMID: 31102713). However the mRNA is not expected to undergo nonsense-mediated decay. In summary, the currently available evidence indicates that the variant is pathogenic, but additional data are needed to prove that conclusively. Therefore, this variant has been classified as Likely Pathogenic.

Literature cited by the submitters: PubMed 18625346; PubMed 17576681; PubMed 9536098; PubMed 31102713.

NM_000444.6(PHEX):c.1645+6T>C

Gene: PHEX (phosphate regulating endopeptidase X-linked; plus strand). Cytogenetic location: Xp22.11.
Variant type: single nucleotide variant.
Coding change: c.1645+6T>C on transcript NM_000444.6 (MANE Select); 6 bases into the intron after coding-DNA position 1645, T replaced by C.
Molecular consequence: intron variant.
Genome position (GRCh38, 1-based): chrX:22,190,508, T>C. VCF-style: chrX-22190508-T-C. GRCh37 (hg19) VCF-style: chrX-22208625-T-C.
Other names: c.1645+6T>C (NM_001282754.2).
Identifiers: ClinVar variation 4710657 (VCV004710657.1).